The following is an entry in ClinVar:

ClinVar aggregate classification (germline): Pathogenic/Likely pathogenic. Review status: criteria provided, multiple submitters, no conflicts (2 of 4 stars). 7 submissions from 7 submitters: Pathogenic (5); Likely pathogenic (1). 1 of the submissions does not count toward it. Last evaluated 2026-05-28.

Conditions:
Retinal dystrophy. Also called: Inherited retinal dystrophy. Identifiers: Orphanet 71862, MedGen C0854723, MeSH D058499, MONDO:0019118, HP:0000556.
Retinitis pigmentosa 54 (RP54). Identifiers: Orphanet 791, MedGen C3150691, MONDO:0013263, OMIM 613428.
C2ORF71-related disorders.
Retinitis pigmentosa (RP). Identifiers: Orphanet 791, MedGen C0035334, MeSH D012174, MONDO:0019200, OMIM 268000. Inheritance: Autosomal dominant, autosomal recessive and X linked inheritance.

Allele frequency attached by ClinVar (database versions not stated): gnomAD exomes below 0.00001.

Submissions (7):

Farin Genetics Laboratory
Classification: Pathogenic for Retinitis pigmentosa 54. Last evaluated: 2026-05-28. Review status: criteria provided, single submitter. Criteria: ACMG Guidelines, 2015. Collection method: clinical testing. Allele origin: germline. Inheritance: Autosomal recessive inheritance. Affected: yes. Observed: 3 variant alleles, 3 homozygotes. Clinical features observed: Rod-cone dystrophy (HP:0000510).
Comment: This homozygous nonsense variant in PCARE/C2ORF71 was identified in affected individual(s) with autosomal recessive PCARE-associated retinopathy/retinitis pigmentosa 54. The variant is predicted to introduce a premature termination codon and result in loss of normal PCARE protein function. Classification was performed according to ACMG/AMP 2015 criteria, considering predicted loss of function, rarity in population databases, recessive inheritance, and consistency of the retinal phenotype with PCARE-associated disease.

Blueprint Genetics
Classification: Likely pathogenic for C2ORF71-related disorders. Last evaluated: 2024-03-25. Review status: criteria provided, single submitter. Criteria: ACMG Guidelines, 2015. Collection method: clinical testing. Allele origin: germline. Affected: yes. Observed: 3 variant alleles.

Labcorp Genetics (formerly Invitae), Labcorp
Classification: Pathogenic. Last evaluated: 2022-07-08. Review status: criteria provided, single submitter. Criteria: Invitae Variant Classification Sherloc (09022015). Collection method: clinical testing. Allele origin: germline.
Comment: For these reasons, this variant has been classified as Pathogenic. Algorithms developed to predict the effect of sequence changes on RNA splicing suggest that this variant may create or strengthen a splice site. ClinVar contains an entry for this variant (Variation ID: 1049580). This premature translational stop signal has been observed in individual(s) with retinitis pigmentosa (PMID: 28763557). This variant is present in population databases (no rsID available, gnomAD 0.0009%). This sequence change creates a premature translational stop signal (p.Leu307*) in the PCARE gene. It is expected to result in an absent or disrupted protein product. Loss-of-function variants in PCARE are known to be pathogenic (PMID: 20398886, 24339724, 26496393).

DBGen Ocular Genomics
Classification: Pathogenic for Retinitis pigmentosa 54. Last evaluated: 2021-05-31. Review status: criteria provided, single submitter. Criteria: ACMG Guidelines, 2015. Collection method: clinical testing. Allele origin: germline. Affected: yes. Observed: 1 variant allele.

Broad Center for Mendelian Genomics, Broad Institute of MIT and Harvard
Classification: Pathogenic for Retinitis pigmentosa. Last evaluated: 2021-04-01. Review status: criteria provided, single submitter. Criteria: ACMG Guidelines, 2015. Collection method: curation. Allele origin: germline. Inheritance: Autosomal recessive inheritance. Affected: yes.
Comment: Through a review of available evidence we were able to apply the following criteria: PVS1, PM2, PM3-P. Based on this evidence we have classified this variant as Pathogenic. If you have any questions about the classification please reach out to the Pierce Lab.

Institute of Human Genetics, Univ. Regensburg, Univ. Regensburg
Classification: Pathogenic for Retinal dystrophy. Last evaluated: 2021-01-01. Review status: criteria provided, single submitter. Criteria: ACMG Guidelines, 2015. Collection method: clinical testing. Allele origin: germline. Affected: yes.

Department of Pathology and Laboratory Medicine, Sinai Health System
Classification: Likely pathogenic. Review status: no assertion criteria provided. Collection method: clinical testing. Allele origin: unknown. Affected: yes. Study: The Canadian Open Genetics Repository (COGR). Not counted in ClinVar's aggregate classification.
Comment: The PCARE p.307* variant was not identified in the literature nor was it identified in ClinVar. The variant was identified in dbSNP (ID: rs1397537890) and in control databases in 1 of 249396 chromosomes at a frequency of 0.00000401 (Genome Aggregation Database March 6, 2019, v2.1.1). The variant was observed in the European (non-Finnish) population in 1 of 113222 chromosomes (freq: 0.000009), but was not observed in the African, Latino, Ashkenazi Jewish, East Asian, European (Finnish), Other, or South Asian populations. The c.920T>A variant leads to a premature stop codon at position 307 which is predicted to lead to a truncated or absent protein and loss of function. Loss of function variants of the PCARE gene are an established mechanism of disease in autosomal recessive retinitis pigmentosa and is the type of variant expected to cause the disorder when found in the homozygous or compound heterozygous state. The variant occurs outside of the splicing consensus sequence and in silico or computational prediction software programs (Splice AI exome) do not predict a difference in splicing. In summary, based on the above information the clinical significance of this variant cannot be determined with certainty at this time although we would lean towards a more pathogenic role for this variant. This variant is classified as likely pathogenic.

Literature cited by the submitters: PubMed 24339724 (cited by Farin Genetics Laboratory and Labcorp Genetics (formerly Invitae), Labcorp); PubMed 20398886 (cited by Farin Genetics Laboratory and Labcorp Genetics (formerly Invitae), Labcorp); PubMed 26496393 (cited by Farin Genetics Laboratory and Labcorp Genetics (formerly Invitae), Labcorp); PubMed 28763557 (cited by 4 submitters); PubMed 34906470 (cited by Broad Center for Mendelian Genomics, Broad Institute of MIT and Harvard); PubMed 31964843 (cited by Institute of Human Genetics, Univ. Regensburg, Univ. Regensburg); PubMed 34426522 (cited by Institute of Human Genetics, Univ. Regensburg, Univ. Regensburg); PubMed 36460718 (cited by Institute of Human Genetics, Univ. Regensburg, Univ. Regensburg).

NM_001029883.3(PCARE):c.920T>A (p.Leu307Ter)

Gene: PCARE (photoreceptor cilium actin regulator; minus strand). Cytogenetic location: 2p23.2.
Variant type: single nucleotide variant.
Coding change: c.920T>A on transcript NM_001029883.3 (MANE Select); coding-DNA position 920, T replaced by A.
Protein change: p.Leu307Ter; replaces leucine 307 with a stop codon.
Molecular consequence: nonsense.
Genome position (GRCh38, 1-based): chr2:29,073,342, A>T on the plus strand (T>A on the coding strand, the complement: PCARE is on the minus strand). VCF-style: chr2-29073342-A-T. GRCh37 (hg19) VCF-style: chr2-29296208-A-T.
Other names: p.(Leu307Ter); c.920T>A (NM_001029883.2); short protein forms L307*.
Identifiers: ClinVar variation 1049580 (VCV001049580.16), dbSNP rs1397537890, ClinGen allele CA346481282.